The following is an entry in ClinVar:

NM_032447.5(FBN3):c.6929G>A (p.Arg2310Gln)

Gene: FBN3 (fibrillin 3; minus strand). Cytogenetic location: 19p13.2.
Variant type: single nucleotide variant.
Coding change: c.6929G>A on transcript NM_032447.5 (MANE Select); coding-DNA position 6929, G replaced by A.
Protein change: p.Arg2310Gln; replaces arginine 2310 with glutamine.
Molecular consequence: missense variant.
Genome position (GRCh38, 1-based): chr19:8,085,521, C>T on the plus strand (G>A on the coding strand, the complement: FBN3 is on the minus strand). VCF-style: chr19-8085521-C-T. GRCh37 (hg19) VCF-style: chr19-8150405-C-T.
Other names: c.6929G>A, p.Arg2310Gln (NM_001321431.2); c.6929G>A (NM_032447.3); short protein forms R2310Q.
Identifiers: ClinVar variation 2718419 (VCV002718419.4), dbSNP rs776367717, ClinGen allele CA9151047.

ClinVar aggregate classification (germline): Conflicting classifications of pathogenicity. Review status: criteria provided, conflicting classifications (1 of 4 stars). 2 submissions from 2 submitters: Uncertain significance (1); Likely benign (1). Last evaluated 2025-03-25.

Allele frequency attached by ClinVar (database versions not stated): TOPMed 0.00002.
gnomAD v4.1: 62 of 1,594,478 alleles (0.0039%); highest among the groups gnomAD compares: East Asian, 0.011%; 1 homozygote.

Submissions (2):

Labcorp Genetics (formerly Invitae), Labcorp
Classification: Uncertain significance. Last evaluated: 2025-03-25. Review status: criteria provided, single submitter. Criteria: Invitae Variant Classification Sherloc (09022015). Collection method: clinical testing. Allele origin: germline.
Comment: This sequence change replaces arginine, which is basic and polar, with glutamine, which is neutral and polar, at codon 2310 of the FBN3 protein (p.Arg2310Gln). The frequency data for this variant in the population databases is considered unreliable, as metrics indicate poor data quality at this position in the gnomAD database. This variant has not been reported in the literature in individuals affected with FBN3-related conditions. ClinVar contains an entry for this variant (Variation ID: 2718419). An algorithm developed to predict the effect of missense changes on protein structure and function outputs the following: PolyPhen-2: "Benign". The glutamine amino acid residue is found in multiple mammalian species, which suggests that this missense change does not adversely affect protein function. In summary, the available evidence is currently insufficient to determine the role of this variant in disease. Therefore, it has been classified as a Variant of Uncertain Significance.

Ambry Genetics
Classification: Likely benign. Last evaluated: 2024-06-10. Review status: criteria provided, single submitter. Criteria: Ambry Variant Classification Scheme 2023. Collection method: clinical testing. Allele origin: germline.